The following is an entry in ClinVar:

ClinVar aggregate classification (germline): Uncertain significance. Review status: criteria provided, multiple submitters, no conflicts (2 of 4 stars). 2 submissions from 2 submitters: Uncertain significance (2). Last evaluated 2025-04-30.

Conditions:
Dextro-looped transposition of the great arteries. Also called: Dextrotransposition of the great arteries. Identifiers: Orphanet 860, MedGen C3531771, MONDO:0019443, OMIM 608808, HP:0031348.

Allele frequency attached by ClinVar (database versions not stated): gnomAD exomes below 0.00001.
gnomAD v4.1: 1 of 1,614,192 alleles (0.000062%); highest among the groups gnomAD compares: Admixed American, 0.0017%; no homozygotes.

Submissions (2):

Labcorp Genetics (formerly Invitae), Labcorp
Classification: Uncertain significance for Dextro-looped transposition of the great arteries. Last evaluated: 2025-04-30. Review status: criteria provided, single submitter. Criteria: Invitae Variant Classification Sherloc (09022015). Collection method: clinical testing. Allele origin: germline.
Comment: This sequence change replaces leucine, which is neutral and non-polar, with valine, which is neutral and non-polar, at codon 64 of the MED13L protein (p.Leu64Val). This variant is not present in population databases (gnomAD no frequency). This variant has not been reported in the literature in individuals affected with MED13L-related conditions. ClinVar contains an entry for this variant (Variation ID: 3069099). Invitae Evidence Modeling of protein sequence and biophysical properties (such as structural, functional, and spatial information, amino acid conservation, physicochemical variation, residue mobility, and thermodynamic stability) indicates that this missense variant is not expected to disrupt MED13L protein function with a negative predictive value of 80%. In summary, the available evidence is currently insufficient to determine the role of this variant in disease. Therefore, it has been classified as a Variant of Uncertain Significance.

Women's Health and Genetics/Laboratory Corporation of America, LabCorp
Classification: Uncertain significance. Last evaluated: 2024-02-27. Review status: criteria provided, single submitter. Criteria: LabCorp Variant Classification Summary - May 2015. Collection method: clinical testing. Allele origin: germline.
Comment: Variant summary: MED13L c.190C>G (p.Leu64Val) results in a conservative amino acid change located in the Mediator complex, subunit Med13, N-terminal domain (IPR021643) of the encoded protein sequence. Four of five in-silico tools predict a benign effect of the variant on protein function. The variant was absent in 251490 control chromosomes. The available data on variant occurrences in the general population are insufficient to allow any conclusion about variant significance. To our knowledge, no occurrence of c.190C>G in individuals affected with Intellectual Disability And Distinctive Facial Features With Or Without Cardiac Defects and no experimental evidence demonstrating its impact on protein function have been reported. No submitters have cited clinical-significance assessments for this variant to ClinVar. Based on the evidence outlined above, the variant was classified as uncertain significance.

NM_015335.5(MED13L):c.190C>G (p.Leu64Val)

Gene: MED13L (mediator complex subunit 13L; minus strand). Cytogenetic location: 12q24.21.
Variant type: single nucleotide variant.
Coding change: c.190C>G on transcript NM_015335.5 (MANE Select); coding-DNA position 190, C replaced by G.
Protein change: p.Leu64Val; replaces leucine 64 with valine.
Molecular consequence: missense variant.
Genome position (GRCh38, 1-based): chr12:116,237,588, G>C on the plus strand (C>G on the coding strand, the complement: MED13L is on the minus strand). VCF-style: chr12-116237588-G-C. GRCh37 (hg19) VCF-style: chr12-116675393-G-C.
Other names: short protein forms L64V.
Identifiers: ClinVar variation 3069099 (VCV003069099.3), dbSNP rs2500017004, ClinGen allele CA386927468.